The following is an entry in ClinVar:

NM_004525.3(LRP2):c.5888C>T (p.Pro1963Leu)

Gene: LRP2 (LDL receptor related protein 2; minus strand). Cytogenetic location: 2q31.1.
Variant type: single nucleotide variant.
Coding change: c.5888C>T on transcript NM_004525.3 (MANE Select); coding-DNA position 5888, C replaced by T.
Protein change: p.Pro1963Leu; replaces proline 1963 with leucine.
Molecular consequence: missense variant.
Genome position (GRCh38, 1-based): chr2:169,213,809, G>A on the plus strand (C>T on the coding strand, the complement: LRP2 is on the minus strand). VCF-style: chr2-169213809-G-A. GRCh37 (hg19) VCF-style: chr2-170070319-G-A.
Other names: short protein forms P1963L.
Identifiers: ClinVar variation 1995781 (VCV001995781.4), dbSNP rs2545826096, ClinGen allele CA349134105.

ClinVar aggregate classification (germline): Uncertain significance (1 of 4 stars; one submission).

Submission:

Labcorp Genetics (formerly Invitae), Labcorp
Classification: Uncertain significance. Last evaluated: 2025-05-14. Review status: criteria provided, single submitter. Criteria: Invitae Variant Classification Sherloc (09022015). Collection method: clinical testing. Allele origin: germline.
Comment: This sequence change replaces proline, which is neutral and non-polar, with leucine, which is neutral and non-polar, at codon 1963 of the LRP2 protein (p.Pro1963Leu). This variant is not present in population databases (gnomAD no frequency). This variant has not been reported in the literature in individuals affected with LRP2-related conditions. ClinVar contains an entry for this variant (Variation ID: 1995781). Invitae Evidence Modeling of protein sequence and biophysical properties (such as structural, functional, and spatial information, amino acid conservation, physicochemical variation, residue mobility, and thermodynamic stability) has been performed for this missense variant. However, the output from this modeling did not meet the statistical confidence thresholds required to predict the impact of this variant on LRP2 protein function. In summary, the available evidence is currently insufficient to determine the role of this variant in disease. Therefore, it has been classified as a Variant of Uncertain Significance.